The following is an entry in ClinVar:

ClinVar aggregate classification (germline): Uncertain significance (1 of 4 stars; one submission).

Submission:

Labcorp Genetics (formerly Invitae), Labcorp
Classification: Uncertain significance. Last evaluated: 2025-10-19. Review status: criteria provided, single submitter. Criteria: Invitae Variant Classification Sherloc (09022015). Collection method: clinical testing. Allele origin: germline.
Comment: This sequence change creates a premature translational stop signal (p.Pro162Thrfs*41) in the ANKZF1 gene. It is expected to result in an absent or disrupted protein product. However, the current clinical and genetic evidence is not sufficient to establish whether loss-of-function variants in ANKZF1 cause disease. This variant is not present in population databases (gnomAD no frequency). This variant has not been reported in the literature in individuals affected with ANKZF1-related conditions. In summary, the available evidence is currently insufficient to determine the role of this variant in disease. Therefore, it has been classified as a Variant of Uncertain Significance.

NM_018089.3(ANKZF1):c.483_484insA (p.Pro162fs)

Gene: ANKZF1 (ankyrin repeat and zinc finger peptidyl tRNA hydrolase 1; plus strand). Cytogenetic location: 2q35.
Variant type: Insertion.
Coding change: c.483_484insA on transcript NM_018089.3 (MANE Select); coding-DNA positions 483 to 484, A inserted.
Protein change: p.Pro162fs; shifts the reading frame from proline 162.
Molecular consequence: frameshift variant. On other transcripts: 5 prime UTR variant (1).
Genome position: GRCh38 VCF-style: chr2-219232608-C-CA. GRCh37 (hg19) VCF-style: chr2-220097330-C-CA.
Other names: c.483_484insA, p.Pro162fs (NM_001042410.2); c.-148_-147insA (NM_001282792.2); short protein forms P162fs.
Identifiers: ClinVar variation 4718683 (VCV004718683.1).